The following is an entry in ClinVar:

NM_000540.3(RYR1):c.5945A>C (p.Lys1982Thr)

Gene: RYR1 (ryanodine receptor 1; plus strand). Cytogenetic location: 19q13.2.
Variant type: single nucleotide variant.
Coding change: c.5945A>C on transcript NM_000540.3 (MANE Select); coding-DNA position 5945, A replaced by C.
Protein change: p.Lys1982Thr; replaces lysine 1982 with threonine.
Molecular consequence: missense variant.
Genome position (GRCh38, 1-based): chr19:38,490,206, A>C. VCF-style: chr19-38490206-A-C. GRCh37 (hg19) VCF-style: chr19-38980846-A-C.
Other names: c.5945A>C, p.Lys1982Thr (NM_001042723.2); short protein forms K1982T.
Identifiers: ClinVar variation 4756578 (VCV004756578.1).

ClinVar aggregate classification (germline): Uncertain significance (1 of 4 stars; one submission).

Conditions:
Malignant hyperthermia, susceptibility to, 1 (MHS1). Also called: RYR1-Related Malignant Hyperthermia Susceptibility; Malignant hyperthermia suceptibility 1; Anesthesia related hyperthermia; Malignant hyperpyrexia; Fulminating hyperpyrexia; Pharmacogenic myopathy. Identifiers: Orphanet 423, MedGen C2930980, MONDO:0007783, OMIM 145600.

gnomAD v4.1: 2 of 1,614,176 alleles (0.00012%); highest among the groups gnomAD compares: Non-Finnish European, 0.00017%; no homozygotes.

Submission:

Color Diagnostics, LLC DBA Color Health
Classification: Uncertain significance for Malignant hyperthermia, susceptibility to, 1. Last evaluated: 2025-09-08. Review status: criteria provided, single submitter. Criteria: ACMG Guidelines, 2015. Collection method: clinical testing. Allele origin: germline.
Comment: This missense variant replaces lysine with threonine at codon 1982 of the RYR1 protein. Computational prediction suggests that this variant may not impact protein structure and function. To our knowledge, functional studies have not been reported for this variant. This variant has not been reported in individuals affected with RYR1-related disorders in the literature. This variant has not been identified in the general population by the Genome Aggregation Database (gnomAD). The available evidence is insufficient to determine the role of this variant in disease conclusively. Therefore, this variant is classified as a Variant of Uncertain Significance.